The following is an entry in ClinVar:

ClinVar aggregate classification (germline): Benign (1 of 4 stars; one submission).

Conditions:
Isolated Nonsyndromic Congenital Heart Disease.

Allele frequency attached by ClinVar (database versions not stated): gnomAD 0.00027 and 0.00030; TOPMed 0.00032; 1000 Genomes Project 0.00040; 1000 Genomes Project 30x 0.00078.

Submission:

Illumina Laboratory Services, Illumina
Classification: Benign for Isolated Nonsyndromic Congenital Heart Disease. Last evaluated: 2018-01-13. Review status: criteria provided, single submitter. Criteria: ICSL Variant Classification Criteria 13 December 2019. Collection method: clinical testing. Allele origin: germline.
Comment: This variant was observed in the ICSL laboratory as part of a predisposition screen in an ostensibly healthy population. It had not been previously curated by ICSL or reported in the Human Gene Mutation Database (HGMD: prior to June 1st, 2018), and was therefore a candidate for classification through an automated scoring system. Utilizing variant allele frequency, disease prevalence and penetrance estimates, and inheritance mode, an automated score was calculated to assess if this variant is too frequent to cause the disease. Based on the score and internal cut-off values, a variant classified as benign is not then subjected to further curation. The score for this variant resulted in a classification of benign for this disease.

NM_000214.3(JAG1):c.*1084G>C

Gene: JAG1 (jagged canonical Notch ligand 1; minus strand). Cytogenetic location: 20p12.2.
Variant type: single nucleotide variant.
Coding change: c.*1084G>C on transcript NM_000214.3 (MANE Select); 1084 bases downstream of the stop codon, G replaced by C.
Molecular consequence: 3 prime UTR variant.
Genome position (GRCh38, 1-based): chr20:10,638,414, C>G on the plus strand (G>C on the coding strand, the complement: JAG1 is on the minus strand). VCF-style: chr20-10638414-C-G. GRCh37 (hg19) VCF-style: chr20-10619062-C-G.
Other names: c.*1084G>C (LRG_1191t1).
Identifiers: ClinVar variation 337725 (VCV000337725.5), dbSNP rs148175963, ClinGen allele CA10649358.
Genomic context (GRCh38, chr20:10,638,414, plus strand): 5'-AATTTACAAAGTAAGATTGGTGTGCTTCCAAGTTCACACAATTAATTTGATATTTTTAAT[C>G]ATATTCAACCACTCACATTTTGGCTATGTTAAGTCATAGCTCAACTTGTTCCCTTACTGC-3'